The following is an entry in ClinVar:

NM_001122681.2(SH3BP2):c.*2912C>T

Gene: SH3BP2 (SH3 domain binding protein 2; plus strand). Cytogenetic location: 4p16.3.
Variant type: single nucleotide variant.
Coding change: c.*2912C>T on transcript NM_001122681.2 (MANE Select); 2912 bases downstream of the stop codon, C replaced by T.
Molecular consequence: 3 prime UTR variant.
Genome position (GRCh38, 1-based): chr4:2,836,746, C>T. VCF-style: chr4-2836746-C-T. GRCh37 (hg19) VCF-style: chr4-2838473-C-T.
Other names: c.*2912C>T (LRG_1334t2, LRG_1334t1, NM_001145855.2 and 2 more transcripts).
Identifiers: ClinVar variation 348643 (VCV000348643.6), dbSNP rs10924, ClinGen allele CA10620909.

ClinVar aggregate classification (germline): Benign. Review status: criteria provided, multiple submitters, no conflicts (2 of 4 stars). 2 submissions from 2 submitters: Benign (2). Last evaluated 2018-01-12.

Conditions:
Fibrous dysplasia of jaw (CRBM). Also called: Cherubism. Identifiers: Orphanet 184, MedGen C0008029, MONDO:0007315, OMIM 118400.

Allele frequency attached by ClinVar (database versions not stated): 1000 Genomes Project 30x 0.10931; 1000 Genomes Project 0.11002; TOPMed 0.13797; gnomAD 0.15131 and 0.15361; gnomAD exomes 0.19643.
gnomAD v4.1: 23,213 of 152,328 alleles (15%); highest among the groups gnomAD compares: Middle Eastern, 27%; 2,022 homozygotes.

Submissions (2):

Illumina Laboratory Services, Illumina
Classification: Benign for Fibrous dysplasia of jaw. Last evaluated: 2018-01-12. Review status: criteria provided, single submitter. Criteria: ICSL Variant Classification Criteria 13 December 2019. Collection method: clinical testing. Allele origin: germline.
Comment: This variant was observed in the ICSL laboratory as part of a predisposition screen in an ostensibly healthy population. It had not been previously curated by ICSL or reported in the Human Gene Mutation Database (HGMD: prior to June 1st, 2018), and was therefore a candidate for classification through an automated scoring system. Utilizing variant allele frequency, disease prevalence and penetrance estimates, and inheritance mode, an automated score was calculated to assess if this variant is too frequent to cause the disease. Based on the score and internal cut-off values, a variant classified as benign is not then subjected to further curation. The score for this variant resulted in a classification of benign for this disease.

Breakthrough Genomics
Classification: Benign. Review status: criteria provided, single submitter. Criteria: ACMG Guidelines, 2015. Collection method: not provided. Allele origin: germline. Inheritance: Autosomal dominant inheritance. Affected: yes.